The following is an entry in ClinVar:

NM_001363711.2(DUOX2):c.2637A>C (p.Glu879Asp)

Gene: DUOX2 (dual oxidase 2; minus strand). Cytogenetic location: 15q21.1.
Variant type: single nucleotide variant.
Coding change: c.2637A>C on transcript NM_001363711.2 (MANE Select); coding-DNA position 2637, A replaced by C.
Protein change: p.Glu879Asp; replaces glutamic acid 879 with aspartic acid.
Molecular consequence: missense variant.
Genome position (GRCh38, 1-based): chr15:45,103,977, T>G on the plus strand (A>C on the coding strand, the complement: DUOX2 is on the minus strand). VCF-style: chr15-45103977-T-G. GRCh37 (hg19) VCF-style: chr15-45396175-T-G.
Other names: c.2637A>C, p.Glu879Asp (NM_014080.5); short protein forms E879D.
Identifiers: ClinVar variation 2827416 (VCV002827416.3), dbSNP rs781084721, ClinGen allele CA392268581.

ClinVar aggregate classification (germline): Uncertain significance (1 of 4 stars; one submission).

Submission:

Labcorp Genetics (formerly Invitae), Labcorp
Classification: Uncertain significance. Last evaluated: 2023-01-10. Review status: criteria provided, single submitter. Criteria: Invitae Variant Classification Sherloc (09022015). Collection method: clinical testing. Allele origin: germline.
Comment: In summary, the available evidence is currently insufficient to determine the role of this variant in disease. Therefore, it has been classified as a Variant of Uncertain Significance. This variant disrupts the p.Glu879 amino acid residue in DUOX2. Other variant(s) that disrupt this residue have been determined to be pathogenic (PMID: 18765513, 25248169, 26349762, 26709262). This suggests that this residue is clinically significant, and that variants that disrupt this residue are likely to be disease-causing. Advanced modeling of protein sequence and biophysical properties (such as structural, functional, and spatial information, amino acid conservation, physicochemical variation, residue mobility, and thermodynamic stability) performed at Invitae indicates that this missense variant is not expected to disrupt DUOX2 protein function. This variant has not been reported in the literature in individuals affected with DUOX2-related conditions. This variant is not present in population databases (gnomAD no frequency). This sequence change replaces glutamic acid, which is acidic and polar, with aspartic acid, which is acidic and polar, at codon 879 of the DUOX2 protein (p.Glu879Asp).

Literature cited by the submitters: PubMed 18765513; PubMed 25248169; PubMed 26349762; PubMed 26709262.